The following is an entry in ClinVar:

ClinVar aggregate classification (germline): Conflicting classifications of pathogenicity. Review status: criteria provided, conflicting classifications (1 of 4 stars). 4 submissions from 4 submitters: Uncertain significance (3); Likely benign (1). Last evaluated 2024-12-30.

Conditions:
Inborn genetic diseases. Identifiers: MedGen C0950123, MeSH D030342.
Autoinflammatory syndrome. Identifiers: Orphanet 93665, MedGen C3890737, MONDO:0019751.
Pityriasis rubra pilaris (PRP). Also called: Pityriasis rubra pilaris--familial type. Identifiers: Orphanet 2897, MedGen C0032027, MONDO:0100017, OMIM 173200, MONDO:0008251.
Psoriasis 2. Identifiers: MedGen C1864497, MONDO:0011269, OMIM 602723.

Allele frequency attached by ClinVar (database versions not stated): gnomAD 0.00004; TOPMed 0.00005; ExAC 0.00006; ESP Exome Variant Server 0.00015.
gnomAD v4.1: 56 of 1,613,928 alleles (0.0035%); highest among the groups gnomAD compares: Middle Eastern, 0.016%; no homozygotes.

Submissions (4):

Ambry Genetics
Classification: Uncertain significance for Inborn genetic diseases. Last evaluated: 2024-12-30. Review status: criteria provided, single submitter. Criteria: Ambry Variant Classification Scheme 2023. Collection method: clinical testing. Allele origin: germline.

Labcorp Genetics (formerly Invitae), Labcorp
Classification: Uncertain significance for Pityriasis rubra pilaris; Psoriasis 2. Last evaluated: 2024-12-10. Review status: criteria provided, single submitter. Criteria: Invitae Variant Classification Sherloc (09022015). Collection method: clinical testing. Allele origin: germline.
Comment: This sequence change replaces threonine, which is neutral and polar, with serine, which is neutral and polar, at codon 912 of the CARD14 protein (p.Thr912Ser). This variant is present in population databases (rs201965466, gnomAD 0.009%). This variant has not been reported in the literature in individuals affected with CARD14-related conditions. ClinVar contains an entry for this variant (Variation ID: 944993). Invitae Evidence Modeling of protein sequence and biophysical properties (such as structural, functional, and spatial information, amino acid conservation, physicochemical variation, residue mobility, and thermodynamic stability) indicates that this missense variant is not expected to disrupt CARD14 protein function with a negative predictive value of 95%. In summary, the available evidence is currently insufficient to determine the role of this variant in disease. Therefore, it has been classified as a Variant of Uncertain Significance.

Blueprint Genetics
Classification: Likely benign. Last evaluated: 2024-06-25. Review status: criteria provided, single submitter. Criteria: ACMG Guidelines, 2015. Collection method: clinical testing. Allele origin: germline.

Genome Diagnostics Laboratory, The Hospital for Sick Children
Classification: Uncertain significance for Autoinflammatory syndrome. Last evaluated: 2016-12-12. Review status: criteria provided, single submitter. Criteria: ACMG Guidelines, 2015. Collection method: clinical testing. Allele origin: germline. Affected: yes.

NM_001366385.1(CARD14):c.2735C>G (p.Thr912Ser)

Genes: CARD14 (caspase recruitment domain family member 14; plus strand), SGSH (N-sulfoglucosamine sulfohydrolase; minus strand). Cytogenetic location: 17q25.3.
Variant type: single nucleotide variant.
Coding change: c.2735C>G on transcript NM_001366385.1 (MANE Select); coding-DNA position 2735, C replaced by G.
Protein change: p.Thr912Ser; replaces threonine 912 with serine.
Molecular consequence: missense variant. On other transcripts: non-coding transcript variant (1).
Genome position (GRCh38, 1-based): chr17:80,207,013, C>G. VCF-style: chr17-80207013-C-G. GRCh37 (hg19) VCF-style: chr17-78180812-C-G.
Other names: c.2735C>G (NM_024110.3); c.2735C>G, p.Thr912Ser (NM_024110.4); short protein forms T912S.
Identifiers: ClinVar variation 944993 (VCV000944993.13), dbSNP rs201965466, ClinGen allele CA8817436.